The following is an entry in ClinVar:

NM_138615.3(DHX30):c.2707G>A (p.Val903Ile)

Gene: DHX30 (DExH-box helicase 30; plus strand). Cytogenetic location: 3p21.31.
Variant type: single nucleotide variant.
Coding change: c.2707G>A on transcript NM_138615.3 (MANE Select); coding-DNA position 2707, G replaced by A.
Protein change: p.Val903Ile; replaces valine 903 with isoleucine.
Molecular consequence: missense variant.
Genome position (GRCh38, 1-based): chr3:47,848,755, G>A. VCF-style: chr3-47848755-G-A. GRCh37 (hg19) VCF-style: chr3-47890245-G-A.
Other names: c.2623G>A, p.Val875Ile (NM_001330990.2); c.2590G>A, p.Val864Ile (NM_014966.4); short protein forms V864I, V875I, V903I.
Identifiers: ClinVar variation 3026806 (VCV003026806.22), dbSNP rs2549298870, ClinGen allele CA352591915.

ClinVar aggregate classification (germline): Uncertain significance (1 of 4 stars; one submission).

Submission:

CeGaT Center for Human Genetics Tuebingen
Classification: Uncertain significance. Last evaluated: 2025-09-01. Review status: criteria provided, single submitter. Criteria: CeGaT Center For Human Genetics Tuebingen Variant Classification Criteria Version 2. Collection method: clinical testing. Allele origin: germline. Affected: yes. Observed: 1 variant allele.
Comment: DHX30: PM2, PP2, BP4